The following is an entry in ClinVar:

ClinVar aggregate classification (germline): Pathogenic. Review status: criteria provided, multiple submitters, no conflicts (2 of 4 stars). 2 submissions from 2 submitters: Pathogenic (2). Last evaluated 2023-04-26.

Conditions:
Familial adenomatous polyposis 1 (FAP1). Also called: POLYPOSIS, ADENOMATOUS INTESTINAL; FAMILIAL ADENOMATOUS POLYPOSIS 1, ATTENUATED. Identifiers: MedGen C2713442, MONDO:0021056, OMIM 175100. Disease mechanism: loss of function.

Submissions (2):

Myriad Genetics, Inc.
Classification: Pathogenic for Familial adenomatous polyposis 1. Last evaluated: 2023-04-26. Review status: criteria provided, single submitter. Criteria: Myriad Autosomal Dominant, Autosomal Recessive and X-Linked Classification Criteria (2023). Collection method: clinical testing. Allele origin: unknown.
Comment: This variant is considered pathogenic. This variant creates a frameshift predicted to result in premature protein truncation.

Labcorp Genetics (formerly Invitae), Labcorp
Classification: Pathogenic for Familial adenomatous polyposis 1. Last evaluated: 2020-08-26. Review status: criteria provided, single submitter. Criteria: Invitae Variant Classification Sherloc (09022015). Collection method: clinical testing. Allele origin: germline.
Comment: For these reasons, this variant has been classified as Pathogenic. This sequence change creates a premature translational stop signal (p.Pro173Leufs*2) in the APC gene. It is expected to result in an absent or disrupted protein product. This variant is not present in population databases (ExAC no frequency). This variant has not been reported in the literature in individuals with APC-related conditions. Loss-of-function variants in APC are known to be pathogenic (PMID: 17963004, 20685668).

Literature cited by the submitters: PubMed 17963004 (cited by Labcorp Genetics (formerly Invitae), Labcorp); PubMed 20685668 (cited by Labcorp Genetics (formerly Invitae), Labcorp).

NM_000038.6(APC):c.516del (p.Pro173fs)

Gene: APC (APC regulator of Wnt signaling pathway; plus strand). Cytogenetic location: 5q22.2.
Variant type: Deletion.
Coding change: c.516del on transcript NM_000038.6 (MANE Select); coding-DNA position 516, one base deleted (T; older notation c.516delT).
Protein change: p.Pro173fs; shifts the reading frame from proline 173.
Molecular consequence: frameshift variant. On other transcripts: 5 prime UTR variant (1).
Genome position (GRCh38, 1-based): chr5:112,775,722, T deleted; the last of 2 consecutive T bases (chr5:112,775,721-112,775,722); deleting either gives the same sequence. VCF-style (leftmost placement, unchanged base first): chr5-112775720-CT-C. GRCh37 (hg19) VCF-style: chr5-112111417-CT-C.
Other names: c.516del, p.Pro173fs (NM_001127510.3, NM_001354895.2, NM_001354896.2 and 2 more transcripts); c.546del, p.Pro183fs (NM_001127511.3, NM_001354897.2, NM_001354902.2); c.441del, p.Pro148fs (NM_001354898.2, NM_001354904.2); c.339del, p.Pro114fs (NM_001354900.2, NM_001354901.2, NM_001354905.2); c.-520del (NM_001354906.2); short protein forms P114fs, P148fs, P173fs, P183fs.
Identifiers: ClinVar variation 1071479 (VCV001071479.9), dbSNP rs1580359575, ClinGen allele CA2499217427.